The following is an entry in ClinVar:

NM_001165963.4(SCN1A):c.163T>A (p.Leu55Met)

Gene: SCN1A (sodium voltage-gated channel alpha subunit 1; minus strand). Cytogenetic location: 2q24.3.
Variant type: single nucleotide variant.
Coding change: c.163T>A on transcript NM_001165963.4 (MANE Select); coding-DNA position 163, T replaced by A.
Protein change: p.Leu55Met; replaces leucine 55 with methionine.
Molecular consequence: missense variant. On other transcripts: 5 prime UTR variant (1), non-coding transcript variant (1).
Genome position (GRCh38, 1-based): chr2:166,073,459, A>T on the plus strand (T>A on the coding strand, the complement: SCN1A is on the minus strand). VCF-style: chr2-166073459-A-T. GRCh37 (hg19) VCF-style: chr2-166929969-A-T.
Other names: c.163T>A, p.Leu55Met (NM_001165964.3, NM_001202435.3, NM_001353948.2 and 10 more transcripts); c.-2263T>A (NM_001353961.2); short protein forms L55M.
Identifiers: ClinVar variation 3634072 (VCV003634072.2).

ClinVar aggregate classification (germline): Uncertain significance (1 of 4 stars; one submission).

Conditions:
Early-infantile DEE. Also called: Early infantile epileptic encephalopathy; Ohtahara syndrome; Early infantile epileptic encephalopathy with suppression bursts. Identifiers: Orphanet 1934, MedGen C0393706, MONDO:0800491.

Submission:

Labcorp Genetics (formerly Invitae), Labcorp
Classification: Uncertain significance for Early-infantile DEE. Last evaluated: 2024-07-30. Review status: criteria provided, single submitter. Criteria: Invitae Variant Classification Sherloc (09022015). Collection method: clinical testing. Allele origin: germline.
Comment: This sequence change replaces leucine, which is neutral and non-polar, with methionine, which is neutral and non-polar, at codon 55 of the SCN1A protein (p.Leu55Met). This variant is not present in population databases (gnomAD no frequency). This variant has not been reported in the literature in individuals affected with SCN1A-related conditions. Advanced modeling of protein sequence and biophysical properties (such as structural, functional, and spatial information, amino acid conservation, physicochemical variation, residue mobility, and thermodynamic stability) performed at Invitae indicates that this missense variant is expected to disrupt SCN1A protein function with a positive predictive value of 95%. In summary, the available evidence is currently insufficient to determine the role of this variant in disease. Therefore, it has been classified as a Variant of Uncertain Significance.